The following is an entry in ClinVar:

ClinVar aggregate classification (germline): Likely benign. Review status: criteria provided, multiple submitters, no conflicts (2 of 4 stars). 4 submissions from 4 submitters: Likely benign (4). Last evaluated 2025-12-01.

Conditions:
Landau-Kleffner syndrome (FESD). Also called: EPILEPSY, FOCAL, WITH SPEECH DISORDER AND WITH OR WITHOUT MENTAL RETARDATION; APHASIA, ACQUIRED, WITH EPILEPSY. Identifiers: Orphanet 1945, Orphanet 725, Orphanet 98818, MedGen C0282512, MONDO:0009509, OMIM 245570.

Allele frequency attached by ClinVar (database versions not stated): TOPMed 0.00002; gnomAD exomes 0.00001; gnomAD 0.00003.
gnomAD v4.1: 9 of 1,614,014 alleles (0.00056%); highest among the groups gnomAD compares: Middle Eastern, 0.016%; no homozygotes.

Submissions (4):

CeGaT Center for Human Genetics Tuebingen
Classification: Likely benign. Last evaluated: 2025-12-01. Review status: criteria provided, single submitter. Criteria: CeGaT Center For Human Genetics Tuebingen Variant Classification Criteria Version 2. Collection method: clinical testing. Allele origin: germline. Affected: yes. Observed: 1 variant allele.
Comment: GRIN2A: BP4, BP7

Women's Health and Genetics/Laboratory Corporation of America, LabCorp
Classification: Likely benign. Last evaluated: 2025-07-29. Review status: criteria provided, single submitter. Criteria: LabCorp Variant Classification Summary - May 2015. Collection method: clinical testing. Allele origin: germline.

Labcorp Genetics (formerly Invitae), Labcorp
Classification: Likely benign for Landau-Kleffner syndrome. Last evaluated: 2025-02-24. Review status: criteria provided, single submitter. Criteria: Invitae Variant Classification Sherloc (09022015). Collection method: clinical testing. Allele origin: germline.

Breakthrough Genomics
Classification: Likely benign. Review status: criteria provided, single submitter. Criteria: ACMG Guidelines, 2015. Collection method: not provided. Allele origin: germline. Inheritance: Autosomal dominant inheritance. Affected: yes.

NM_001134407.3(GRIN2A):c.4191T>C (p.Asn1397=)

Gene: GRIN2A (glutamate ionotropic receptor NMDA type subunit 2A; minus strand). Cytogenetic location: 16p13.2.
Variant type: single nucleotide variant.
Coding change: c.4191T>C on transcript NM_001134407.3 (MANE Select); coding-DNA position 4191, T replaced by C.
Protein change: p.Asn1397=; no amino-acid change (asparagine 1397 retained).
Molecular consequence: synonymous variant. On other transcripts: 3 prime UTR variant (1).
Genome position (GRCh38, 1-based): chr16:9,763,353, A>G on the plus strand (T>C on the coding strand, the complement: GRIN2A is on the minus strand). VCF-style: chr16-9763353-A-G. GRCh37 (hg19) VCF-style: chr16-9857210-A-G.
Other names: c.4191T>C, p.Asn1397= (NM_000833.5); c.*2T>C (NM_001134408.2).
Identifiers: ClinVar variation 1103909 (VCV001103909.16), dbSNP rs1295475837, ClinGen allele CA493692511.